The following is an entry in ClinVar:

NM_000361.3(THBD):c.871C>A (p.Leu291Ile)

Gene: THBD (thrombomodulin; minus strand). Cytogenetic location: 20p11.21.
Variant type: single nucleotide variant.
Coding change: c.871C>A on transcript NM_000361.3 (MANE Select); coding-DNA position 871, C replaced by A.
Protein change: p.Leu291Ile; replaces leucine 291 with isoleucine.
Molecular consequence: missense variant.
Genome position (GRCh38, 1-based): chr20:23,048,634, G>T on the plus strand (C>A on the coding strand, the complement: THBD is on the minus strand). VCF-style: chr20-23048634-G-T. GRCh37 (hg19) VCF-style: chr20-23029271-G-T.
Other names: short protein forms L291I.
Identifiers: ClinVar variation 4633109 (VCV004633109.2).

ClinVar aggregate classification (germline): Uncertain significance. Review status: criteria provided, multiple submitters, no conflicts (2 of 4 stars). 2 submissions from 2 submitters: Uncertain significance (2). Last evaluated 2025-11-26.

Conditions:
Inborn genetic diseases. Identifiers: MedGen C0950123, MeSH D030342.

Submissions (2):

Ambry Genetics
Classification: Uncertain significance for Inborn genetic diseases. Last evaluated: 2025-11-26. Review status: criteria provided, single submitter. Criteria: Ambry Variant Classification Scheme 2023. Collection method: clinical testing. Allele origin: germline.

Labcorp Genetics (formerly Invitae), Labcorp
Classification: Uncertain significance. Last evaluated: 2025-10-07. Review status: criteria provided, single submitter. Criteria: Invitae Variant Classification Sherloc (09022015). Collection method: clinical testing. Allele origin: germline.
Comment: This sequence change replaces leucine, which is neutral and non-polar, with isoleucine, which is neutral and non-polar, at codon 291 of the THBD protein (p.Leu291Ile). The frequency data for this variant in the population databases is considered unreliable, as metrics indicate poor data quality at this position in the gnomAD database. This variant has not been reported in the literature in individuals affected with THBD-related conditions. Invitae Evidence Modeling of protein sequence and biophysical properties (such as structural, functional, and spatial information, amino acid conservation, physicochemical variation, residue mobility, and thermodynamic stability) indicates that this missense variant is expected to disrupt THBD protein function with a positive predictive value of 80%. In summary, the available evidence is currently insufficient to determine the role of this variant in disease. Therefore, it has been classified as a Variant of Uncertain Significance.